The following is an entry in ClinVar:

ClinVar aggregate classification (germline): Likely benign. Review status: criteria provided, single submitter (1 of 4 stars). 2 submissions from 2 submitters: Likely benign (1). 1 of the submissions does not count toward it. Last evaluated 2023-12-26.

Conditions:
CYP7B1-related disorder. Also called: CYP7B1-related condition.
Spastic paraplegia. Identifiers: MedGen C0037772, HP:0001258.

Allele frequency attached by ClinVar (database versions not stated): TOPMed below 0.00001; gnomAD exomes 0.00003; ExAC 0.00007.

Submissions (2):

Labcorp Genetics (formerly Invitae), Labcorp
Classification: Likely benign for Spastic paraplegia. Last evaluated: 2023-12-26. Review status: criteria provided, single submitter. Criteria: Invitae Variant Classification Sherloc (09022015). Collection method: clinical testing. Allele origin: germline.

PreventionGenetics, part of Exact Sciences
Classification: Likely benign for CYP7B1-related condition. Last evaluated: 2023-11-27. Review status: no assertion criteria provided. Collection method: clinical testing. Allele origin: germline. Not counted in ClinVar's aggregate classification.
Comment: This variant is classified as likely benign based on ACMG/AMP sequence variant interpretation guidelines (Richards et al. 2015 PMID: 25741868, with internal and published modifications).

NM_004820.5(CYP7B1):c.675T>C (p.Tyr225=)

Gene: CYP7B1 (cytochrome P450 family 7 subfamily B member 1; minus strand). Cytogenetic location: 8q12.3.
Variant type: single nucleotide variant.
Coding change: c.675T>C on transcript NM_004820.5 (MANE Select); coding-DNA position 675, T replaced by C.
Protein change: p.Tyr225=; no amino-acid change (tyrosine 225 retained).
Molecular consequence: synonymous variant.
Genome position (GRCh38, 1-based): chr8:64,615,866, A>G on the plus strand (T>C on the coding strand, the complement: CYP7B1 is on the minus strand). VCF-style: chr8-64615866-A-G. GRCh37 (hg19) VCF-style: chr8-65528423-A-G.
Other names: c.675T>C, p.Tyr225= (NM_001324112.2); c.675T>C (NM_004820.4).
Identifiers: ClinVar variation 2111782 (VCV002111782.6), dbSNP rs778747225, ClinGen allele CA4764169.